The following is an entry in ClinVar:

NM_004070.4(CLCNKA):c.1715C>T (p.Thr572Ile)

Genes: CLCNKA (chloride voltage-gated channel Ka; plus strand), LOC106501712 (CLCNKA recombination region; plus strand). Cytogenetic location: 1p36.13.
Variant type: single nucleotide variant.
Coding change: c.1715C>T on transcript NM_004070.4 (MANE Select); coding-DNA position 1715, C replaced by T.
Protein change: p.Thr572Ile; replaces threonine 572 with isoleucine.
Molecular consequence: missense variant.
Genome position (GRCh38, 1-based): chr1:16,031,802, C>T. VCF-style: chr1-16031802-C-T. GRCh37 (hg19) VCF-style: chr1-16358297-C-T.
Other names: c.1715C>T, p.Thr572Ile (NM_001042704.2); c.1586C>T, p.Thr529Ile (NM_001257139.2); short protein forms T529I, T572I.
Identifiers: ClinVar variation 4847454 (VCV004847454.1).
Genomic context (GRCh38, chr1:16,031,802, plus strand): 5'-ACCACAGCATCACCACACTGGCCAAGGACACGCCGCTGGAGGAGGTGGTCAAGGTTGTGA[C>T]CTCCACAGACGTGACCGAGTATCCCCTGGTGGAGAGCACAGGTGCCCAGCTGGAAGGGAG-3'
Protein context (NP_004061.3, residues 562-582): TPLEEVVKVV[Thr572Ile]STDVTEYPLV

ClinVar aggregate classification (germline): Uncertain significance (1 of 4 stars; one submission).

gnomAD v4.1: 118 of 1,613,836 alleles (0.0073%); highest among the groups gnomAD compares: Non-Finnish European, 0.0094%; no homozygotes.

Submission:

Women's Health and Genetics/Laboratory Corporation of America, LabCorp
Classification: Uncertain significance. Last evaluated: 2026-03-05. Review status: criteria provided, single submitter. Criteria: LabCorp Variant Classification Summary - May 2015. Collection method: clinical testing. Allele origin: germline.
Comment: Variant summary: CLCNKA c.1715C>T (p.Thr572Ile) results in a non-conservative amino acid change in the encoded protein sequence. Algorithms developed to predict the effect of missense changes on protein structure and function are either unavailable or do not agree on the potential impact of this missense change. The variant allele was found at a frequency of 4e-05 in 250902 control chromosomes. This frequency is not significantly higher than estimated for disease-causing variants in CLCNKA, allowing no conclusion about variant significance. To our knowledge, no occurrence of c.1715C>T in individuals affected with CLCNKA-related conditions and no experimental evidence demonstrating its impact on protein function have been reported. No submitters have cited clinical-significance assessments for this variant to ClinVar. Based on the evidence outlined above, the variant was classified as uncertain significance.